The following is an entry in ClinVar:

ClinVar aggregate classification (germline): Pathogenic. Review status: criteria provided, multiple submitters, no conflicts (2 of 4 stars). 3 submissions from 3 submitters: Pathogenic (2). 1 of the submissions does not count toward it. Last evaluated 2025-02-02.

Conditions:
GAS8-related disorder. Also called: GAS8-related condition.
Primary ciliary dyskinesia 33. Also called: CILIARY DYSKINESIA, PRIMARY, 33, WITHOUT SITUS INVERSUS. Identifiers: Orphanet 244, MedGen C4225230, MONDO:0014750, OMIM 616726.

Allele frequency attached by ClinVar (database versions not stated): gnomAD exomes below 0.00001; gnomAD 0.00001; TOPMed 0.00001; ExAC 0.00002; 1000 Genomes Project 30x 0.00016; 1000 Genomes Project 0.00020.
gnomAD v4.1: 5 of 1,607,026 alleles (0.00031%); highest among the groups gnomAD compares: South Asian, 0.0056%; no homozygotes.

Submissions (3):

Labcorp Genetics (formerly Invitae), Labcorp
Classification: Pathogenic for Primary ciliary dyskinesia 33. Last evaluated: 2025-02-02. Review status: criteria provided, single submitter. Criteria: Invitae Variant Classification Sherloc (09022015). Collection method: clinical testing. Allele origin: germline.
Comment: This sequence change creates a premature translational stop signal (p.Gln357*) in the GAS8 gene. It is expected to result in an absent or disrupted protein product. Loss-of-function variants in GAS8 are known to be pathogenic (PMID: 26387594). The frequency data for this variant in the population databases is considered unreliable, as metrics indicate poor data quality at this position in the gnomAD database. This premature translational stop signal has been observed in individual(s) with primary ciliary dyskinesia (PMID: 26387594). ClinVar contains an entry for this variant (Variation ID: 219124). For these reasons, this variant has been classified as Pathogenic.

PreventionGenetics, part of Exact Sciences
Classification: Pathogenic for GAS8-related condition. Last evaluated: 2023-07-11. Review status: criteria provided, single submitter. Criteria: ACMG Guidelines, 2015. Collection method: clinical testing. Allele origin: germline.
Comment: The GAS8 c.1069C>T variant is predicted to result in premature protein termination (p.Gln357*). This variant has been reported in the homozygous state in an individual with primary ciliary dyskinesia (Olbrich et al 2015. PubMed ID: 26387594). This variant is reported in 0.0035% of alleles in individuals of South Asian descent in gnomAD. Nonsense variants in GAS8 are expected to be pathogenic. This variant is interpreted as pathogenic.

OMIM
Classification: Pathogenic for CILIARY DYSKINESIA, PRIMARY, 33. Last evaluated: 2015-10-01. Review status: no assertion criteria provided. Collection method: literature only. Allele origin: germline. Not counted in ClinVar's aggregate classification.

Literature cited by the submitters: PubMed 26387594 (cited by Labcorp Genetics (formerly Invitae), Labcorp and OMIM).

NM_001481.3(DRC4):c.1069C>T (p.Gln357Ter)

Gene: DRC4 (dynein regulatory complex subunit 4; plus strand). Cytogenetic location: 16q24.3.
Variant type: single nucleotide variant.
Coding change: c.1069C>T on transcript NM_001481.3 (MANE Select); coding-DNA position 1069, C replaced by T.
Protein change: p.Gln357Ter; replaces glutamine 357 with a stop codon.
Molecular consequence: nonsense. On other transcripts: non-coding transcript variant (1).
Genome position (GRCh38, 1-based): chr16:90,040,357, C>T. VCF-style: chr16-90040357-C-T. GRCh37 (hg19) VCF-style: chr16-90106765-C-T.
Other names: c.820C>T, p.Gln274Ter (NM_001286205.2); c.493C>T, p.Gln165Ter (NM_001286208.2); c.994C>T, p.Gln332Ter (NM_001286209.2); short protein forms Q357*, Q332*, Q274*, Q165*.
Identifiers: ClinVar variation 219124 (VCV000219124.4), dbSNP rs566755911, ClinGen allele CA280939.